The following is an entry in ClinVar:

NM_001754.5(RUNX1):c.*1466G>A

Gene: RUNX1 (RUNX family transcription factor 1; minus strand). Cytogenetic location: 21q22.12.
Variant type: single nucleotide variant.
Coding change: c.*1466G>A on transcript NM_001754.5 (MANE Select); 1466 bases downstream of the stop codon, G replaced by A.
Molecular consequence: 3 prime UTR variant.
Genome position (GRCh38, 1-based): chr21:34,790,669, C>T on the plus strand (G>A on the coding strand, the complement: RUNX1 is on the minus strand). VCF-style: chr21-34790669-C-T. GRCh37 (hg19) VCF-style: chr21-36162966-C-T.
Other names: c.*1466G>A (NM_001754.4, NM_001001890.3).
Identifiers: ClinVar variation 339844 (VCV000339844.6), dbSNP rs144796880, ClinGen allele CA10653563.
Genomic context (GRCh38, chr21:34,790,669, plus strand): 5'-GTGCACAGGTAAAAGCCCATATACCCCATAGGGTAGGGTCTCAGCCTGGTGAAAGCAACA[C>T]AAAGATGTTGTTGAGTGAGCAGCACAGGACAGGGGGTCTCGCACAGGTGGGACCATGTTT-3'

ClinVar aggregate classification (germline): Benign. Review status: reviewed by expert panel (3 of 4 stars). 2 submissions from 2 submitters: Benign (1). 1 of the submissions does not count toward it. Last evaluated 2020-05-13.

Conditions:
Hereditary thrombocytopenia and hematologic cancer predisposition syndrome. Identifiers: Orphanet 71290, MedGen CN281654, MONDO:0011071.
Hereditary thrombocytopenia and hematological cancer predisposition syndrome associated with RUNX1. Also called: PLATELET DISORDER, ASPIRIN-LIKE; RUNX1 Familial Platelet Disorder with Associated Myeloid Malignancies; Familial Platelet Disorder with Propensity to Acute Myelogenous Leukemia; Familial thrombocytopenia with propensity to acute myelogenous leukemia. Identifiers: Orphanet 71290, MedGen C1832388, MeSH C563324, MONDO:0100083, OMIM 601399.

Allele frequency attached by ClinVar (database versions not stated): 1000 Genomes Project 30x 0.00640; 1000 Genomes Project 0.00699; gnomAD 0.00806 and 0.00809; gnomAD exomes 0.00841; TOPMed 0.00888.
gnomAD v4.1: 1,928 of 233,290 alleles (0.83%); highest among the groups gnomAD compares: Middle Eastern, 1.1%; 8 homozygotes.

Submissions (2):

ClinGen Myeloid Malignancy Variant Curation Expert Panel
Classification: Benign for Hereditary thrombocytopenia and hematologic cancer predisposition syndrome. Last evaluated: 2020-05-13. Review status: reviewed by expert panel. Criteria: ClinGen MyeloMalig ACMG Specifications v1. Collection method: curation. Allele origin: germline. Inheritance: Autosomal dominant inheritance.
Comment: The RUNX1 c.*1466G>A variant in the 3' UTR has an MAF of 0.01193 (1.2%, 163/13658 alleles) in the Latino subpopulation of the gnomAD v3 cohort and is >= 0.0015 (0.15%) (BA1). This variant is detected in a homozygous state in 5 individuals in the gnomAD v3 population database (BP2). In summary, this variant meets criteria to be classified as benign. ACMG/AMP criteria applied, as specified by the Myeloid Malignancy Variant Curation Expert Panel for RUNX1: BA1, BP2.

Illumina Laboratory Services, Illumina
Classification: Benign for Hereditary thrombocytopenia and hematological cancer predisposition syndrome associated with RUNX1. Last evaluated: 2018-01-13. Review status: criteria provided, single submitter. Criteria: ICSL Variant Classification Criteria 13 December 2019. Collection method: clinical testing. Allele origin: germline. Not counted in ClinVar's aggregate classification.
Comment: This variant was observed in the ICSL laboratory as part of a predisposition screen in an ostensibly healthy population. It had not been previously curated by ICSL or reported in the Human Gene Mutation Database (HGMD: prior to June 1st, 2018), and was therefore a candidate for classification through an automated scoring system. Utilizing variant allele frequency, disease prevalence and penetrance estimates, and inheritance mode, an automated score was calculated to assess if this variant is too frequent to cause the disease. Based on the score and internal cut-off values, a variant classified as benign is not then subjected to further curation. The score for this variant resulted in a classification of benign for this disease.